The following is an entry in ClinVar:

ClinVar aggregate classification (germline): Uncertain significance (1 of 4 stars; one submission).

Conditions:
BAAT-related disorder. Also called: BAAT-related condition.

Allele frequency attached by ClinVar (database versions not stated): gnomAD 0.00006; ESP Exome Variant Server 0.00008; 1000 Genomes Project 30x 0.00016; 1000 Genomes Project 0.00020.
gnomAD v4.1: 30 of 1,614,154 alleles (0.0019%); highest among the groups gnomAD compares: African/African-American, 0.012%; 1 homozygote.

Submission:

PreventionGenetics, part of Exact Sciences
Classification: Uncertain significance for BAAT-related condition. Last evaluated: 2022-10-12. Review status: criteria provided, single submitter. Criteria: ACMG Guidelines, 2015. Collection method: clinical testing. Allele origin: germline.
Comment: The BAAT c.601C>T variant is predicted to result in the amino acid substitution p.Arg201Cys. To our knowledge, this variant has not been reported in the literature. This variant is reported in 0.012% of alleles in individuals of African descent in gnomAD. At this time, the clinical significance of this variant is uncertain due to the absence of conclusive functional and genetic evidence.

NM_001701.4(BAAT):c.601C>T (p.Arg201Cys)

Gene: BAAT (bile acid-CoA:amino acid N-acyltransferase; minus strand). Cytogenetic location: 9q31.1.
Variant type: single nucleotide variant.
Coding change: c.601C>T on transcript NM_001701.4 (MANE Select); coding-DNA position 601, C replaced by T.
Protein change: p.Arg201Cys; replaces arginine 201 with cysteine.
Molecular consequence: missense variant.
Genome position (GRCh38, 1-based): chr9:101,368,188, G>A on the plus strand (C>T on the coding strand, the complement: BAAT is on the minus strand). VCF-style: chr9-101368188-G-A. GRCh37 (hg19) VCF-style: chr9-104130470-G-A.
Other names: c.601C>T, p.Arg201Cys (NM_001127610.2, NM_001374715.1); short protein forms R201C.
Identifiers: ClinVar variation 2635723 (VCV002635723.1), dbSNP rs371212382, ClinGen allele CA5160677.